The following is an entry in ClinVar:

NM_015978.3(TNNI3K):c.1178-2A>G

Genes: FPGT-TNNI3K (FPGT-TNNI3K readthrough; plus strand), TNNI3K (TNNI3 interacting kinase; plus strand). Cytogenetic location: 1p31.1.
Variant type: single nucleotide variant.
Coding change: c.1178-2A>G on transcript NM_015978.3 (MANE Select); the canonical splice acceptor site of the intron before coding-DNA position 1178, A replaced by G.
Molecular consequence: splice acceptor variant.
Genome position (GRCh38, 1-based): chr1:74,367,254, A>G. VCF-style: chr1-74367254-A-G. GRCh37 (hg19) VCF-style: chr1-74832938-A-G.
Other names: c.1481-2A>G (NM_001112808.3, NM_001199327.2).
Identifiers: ClinVar variation 1472006 (VCV001472006.6), dbSNP rs201223622, ClinGen allele CA340785369.

ClinVar aggregate classification (germline): Uncertain significance (1 of 4 stars; one submission).

Allele frequency attached by ClinVar (database versions not stated): TOPMed 0.00001.
gnomAD v4.1: 2 of 1,610,966 alleles (0.00012%); highest among the groups gnomAD compares: East Asian, 0.0022%; no homozygotes.

Submission:

Labcorp Genetics (formerly Invitae), Labcorp
Classification: Uncertain significance. Last evaluated: 2026-01-21. Review status: criteria provided, single submitter. Criteria: Invitae Variant Classification Sherloc (09022015). Collection method: clinical testing. Allele origin: germline.
Comment: This sequence change affects an acceptor splice site in intron 11 of the TNNI3K gene. It is expected to disrupt RNA splicing. Variants that disrupt the donor or acceptor splice site typically lead to a loss of protein function (PMID: 16199547), however the current clinical and genetic evidence is not sufficient to establish whether loss-of-function variants in TNNI3K cause disease. This variant is not present in population databases (gnomAD no frequency). This variant has not been reported in the literature in individuals affected with TNNI3K-related conditions. ClinVar contains an entry for this variant (Variation ID: 1472006). Algorithms developed to predict the effect of sequence changes on RNA splicing suggest that this variant may disrupt the consensus splice site. In summary, the available evidence is currently insufficient to determine the role of this variant in disease. Therefore, it has been classified as a Variant of Uncertain Significance.

Literature cited by the submitters: PubMed 16199547.